The following is an entry in ClinVar:

NM_001378120.1(MBD5):c.3761T>G (p.Met1254Arg)

Gene: MBD5 (methyl-CpG binding domain protein 5; plus strand). Cytogenetic location: 2q23.1.
Variant type: single nucleotide variant.
Coding change: c.3761T>G on transcript NM_001378120.1 (MANE Select); coding-DNA position 3761, T replaced by G.
Protein change: p.Met1254Arg; replaces methionine 1254 with arginine.
Molecular consequence: missense variant.
Genome position (GRCh38, 1-based): chr2:148,489,393, T>G. VCF-style: chr2-148489393-T-G. GRCh37 (hg19) VCF-style: chr2-149246962-T-G.
Other names: c.3062T>G, p.Met1021Arg (NM_018328.5); short protein forms M1021R, M1254R.
Identifiers: ClinVar variation 2889142 (VCV002889142.3), dbSNP rs200759008, ClinGen allele CA1900332.

ClinVar aggregate classification (germline): Uncertain significance (1 of 4 stars; one submission).

Conditions:
Intellectual developmental disorder, autosomal dominant 1. Also called: MBD5 Haploinsufficiency; Intellectual disability, autosomal dominant 1. Identifiers: Orphanet 228402, MedGen C1969562, MONDO:0007974, OMIM 156200.

Allele frequency attached by ClinVar (database versions not stated): gnomAD exomes below 0.00001; ExAC 0.00001; 1000 Genomes Project 0.00040; 1000 Genomes Project 30x 0.00047.

Submission:

Labcorp Genetics (formerly Invitae), Labcorp
Classification: Uncertain significance for Intellectual developmental disorder, autosomal dominant 1. Last evaluated: 2024-06-17. Review status: criteria provided, single submitter. Criteria: Invitae Variant Classification Sherloc (09022015). Collection method: clinical testing. Allele origin: germline.
Comment: This sequence change replaces methionine, which is neutral and non-polar, with arginine, which is basic and polar, at codon 1021 of the MBD5 protein (p.Met1021Arg). This variant is present in population databases (rs200759008, gnomAD 0.01%). This variant has not been reported in the literature in individuals affected with MBD5-related conditions. Advanced modeling of protein sequence and biophysical properties (such as structural, functional, and spatial information, amino acid conservation, physicochemical variation, residue mobility, and thermodynamic stability) performed at Invitae indicates that this missense variant is not expected to disrupt MBD5 protein function with a negative predictive value of 80%. In summary, the available evidence is currently insufficient to determine the role of this variant in disease. Therefore, it has been classified as a Variant of Uncertain Significance.